The following is an entry in ClinVar:

NM_000392.5(ABCC2):c.3561G>A (p.Glu1187=)

Gene: ABCC2 (ATP binding cassette subfamily C member 2; plus strand). Cytogenetic location: 10q24.2.
Variant type: single nucleotide variant.
Coding change: c.3561G>A on transcript NM_000392.5 (MANE Select); coding-DNA position 3561, G replaced by A.
Protein change: p.Glu1187=; no amino-acid change (glutamic acid 1187 retained).
Molecular consequence: synonymous variant.
Genome position (GRCh38, 1-based): chr10:99,836,237, G>A. VCF-style: chr10-99836237-G-A. GRCh37 (hg19) VCF-style: chr10-101595994-G-A.
Other names: c.3561G>A (NM_000392.4); c.3561G>A, p.Glu1187= (LRG_1208t1).
Identifiers: ClinVar variation 499122 (VCV000499122.11), dbSNP rs17216324, ClinGen allele CA5643848.

ClinVar aggregate classification (germline): Conflicting classifications of pathogenicity. Review status: criteria provided, conflicting classifications (1 of 4 stars). 4 submissions from 4 submitters: Uncertain significance (2); Likely benign (1). 1 of the submissions does not count toward it. Last evaluated 2025-12-16.

Conditions:
ABCC2-related disorder. Also called: ABCC2-related condition.

Allele frequency attached by ClinVar (database versions not stated): gnomAD exomes 0.00005 and 0.00016; ExAC 0.00021; 1000 Genomes Project 0.00040; gnomAD 0.00056 and 0.00059; TOPMed 0.00068; ESP Exome Variant Server 0.00108.
gnomAD v4.1: 159 of 1,614,204 alleles (0.0099%); highest among the groups gnomAD compares: African/African-American, 0.18%; 1 homozygote.

Submissions (4):

Labcorp Genetics (formerly Invitae), Labcorp
Classification: Likely benign. Last evaluated: 2025-12-16. Review status: criteria provided, single submitter. Criteria: Invitae Variant Classification Sherloc (09022015). Collection method: clinical testing. Allele origin: germline.

Eurofins Ntd Llc (ga)
Classification: Uncertain significance. Last evaluated: 2018-03-06. Review status: criteria provided, single submitter. Criteria: EGL ClinVar v180209 classification definitions. Collection method: clinical testing. Allele origin: germline. Observed: 4 variant alleles, 4 heterozygotes.

Breakthrough Genomics
Classification: Uncertain significance. Review status: criteria provided, single submitter. Criteria: ACMG Guidelines, 2015. Collection method: not provided. Allele origin: germline. Inheritance: Autosomal recessive inheritance. Affected: yes.

PreventionGenetics, part of Exact Sciences
Classification: Likely benign for ABCC2-related condition. Last evaluated: 2021-06-09. Review status: no assertion criteria provided. Collection method: clinical testing. Allele origin: germline. Not counted in ClinVar's aggregate classification.
Comment: This variant is classified as likely benign based on ACMG/AMP sequence variant interpretation guidelines (Richards et al. 2015 PMID: 25741868, with internal and published modifications).